The following is an entry in ClinVar:

ClinVar aggregate classification (germline): Conflicting classifications of pathogenicity. Review status: criteria provided, conflicting classifications (1 of 4 stars). 20 submissions from 16 submitters: Uncertain significance (7); Benign (4); Likely benign (8). 1 of the submissions does not count toward it. Last evaluated 2026-09-01.

Conditions:
TTN-related disorder. Also called: TTN-related disorders; TTN-related condition; TTN-related disease.
Cardiovascular phenotype. Identifiers: MedGen CN230736.
Autosomal recessive limb-girdle muscular dystrophy type 2J (LGMDR10). Also called: MUSCULAR DYSTROPHY, LIMB-GIRDLE, AUTOSOMAL RECESSIVE 10; Limb-girdle muscular dystrophy, type 2J. Identifiers: Orphanet 140922, MedGen C1837342, MONDO:0012127, OMIM 608807.
Dilated cardiomyopathy 1G (CMD1G). Identifiers: Orphanet 154, MedGen C1858763, MONDO:0011400, OMIM 604145.
Early-onset myopathy with fatal cardiomyopathy (CMYO5). Also called: CONGENITAL MYOPATHY 5 WITH CARDIOMYOPATHY; Salih Myopathy. Identifiers: Orphanet 289377, MedGen C2673677, MONDO:0012714, OMIM 611705. Disease mechanism: loss of function.
Myopathy, myofibrillar, 9, with early respiratory failure (MFM9). Also called: Myopathy, distal, with early respiratory failure, autosomal dominant; Hereditary myopathy with early respiratory failure; EDSTROM MYOPATHY; MYOPATHY, PROXIMAL, WITH EARLY RESPIRATORY MUSCLE INVOLVEMENT. Identifiers: Orphanet 178464, Orphanet 34521, MedGen C1863599, MONDO:0011362, OMIM 603689.
Tibial muscular dystrophy (TMD). Also called: Tibial muscular dystrophy, tardive; Udd Distal Myopathy – Tibial Muscular Dystrophy; UDD MYOPATHY. Identifiers: Orphanet 609, MedGen C1838244, MONDO:0010870, OMIM 600334.
Tip-toe gait. Also called: Toe walking. Identifiers: MedGen C0427144, HP:0030051.

Allele frequency attached by ClinVar (database versions not stated): ExAC 0.00043; 1000 Genomes Project 30x 0.00047; gnomAD exomes 0.00026 and 0.00035; ESP Exome Variant Server 0.00050; TOPMed 0.00023; gnomAD 0.00027 and 0.00031; 1000 Genomes Project 0.00040.
gnomAD v4.1: 432 of 1,613,250 alleles (0.027%); highest among the groups gnomAD compares: South Asian, 0.075%; 1 homozygote.

Submissions 1 to 17 of 20:

CeGaT Center for Human Genetics Tuebingen
Classification: Likely benign. Last evaluated: 2026-09-01. Review status: criteria provided, single submitter. Criteria: CeGaT Center For Human Genetics Tuebingen Variant Classification Criteria Version 2. Collection method: clinical testing. Allele origin: germline. Affected: yes. Observed: 10 variant alleles.
Comment: TTN: BP1

Labcorp Genetics (formerly Invitae), Labcorp
Classification: Likely benign for Dilated cardiomyopathy 1G; Autosomal recessive limb-girdle muscular dystrophy type 2J. Last evaluated: 2026-02-03. Review status: criteria provided, single submitter. Criteria: Invitae Variant Classification Sherloc (09022015). Collection method: clinical testing. Allele origin: germline.

Molecular Diagnostic Laboratory for Inherited Cardiovascular Disease, Montreal Heart Institute
Classification: Likely benign. Last evaluated: 2025-07-24. Review status: criteria provided, single submitter. Criteria: ACMG Guidelines, 2015. Collection method: clinical testing. Allele origin: germline. Affected: no.
Comment: BP1

PreventionGenetics, part of Exact Sciences
Classification: Likely benign for TTN-related condition. Last evaluated: 2025-03-06. Review status: criteria provided, single submitter. Criteria: ACMG Guidelines, 2015. Collection method: clinical testing. Allele origin: germline.
Comment: This variant is classified as likely benign based on ACMG/AMP sequence variant interpretation guidelines (Richards et al. 2015 PMID: 25741868, with internal and published modifications).

Blueprint Genetics
Classification: Likely benign. Last evaluated: 2024-11-26. Review status: criteria provided, single submitter. Criteria: ACMG Guidelines, 2015. Collection method: clinical testing. Allele origin: germline.

Revvity Omics, Revvity
Classification: Uncertain significance. Last evaluated: 2022-09-21. Review status: criteria provided, single submitter. Criteria: ACMG Guidelines, 2015. Collection method: clinical testing. Allele origin: germline.

Athena Diagnostics
Classification: Likely benign. Last evaluated: 2020-07-14. Review status: criteria provided, single submitter. Criteria: Athena Diagnostics Criteria. Collection method: clinical testing. Allele origin: unknown.

Ambry Genetics
Classification: Likely benign for Cardiovascular phenotype. Last evaluated: 2020-03-18. Review status: criteria provided, single submitter. Criteria: Ambry Variant Classification Scheme 2023. Collection method: clinical testing. Allele origin: germline.

Women's Health and Genetics/Laboratory Corporation of America, LabCorp
Classification: Benign. Last evaluated: 2020-01-06. Review status: criteria provided, single submitter. Criteria: LabCorp Variant Classification Summary - May 2015. Collection method: clinical testing. Allele origin: germline.
Comment: Variant summary: TTN c.34625T>C (p.Val11542Ala) results in a non-conservative amino acid change located in the I-band domain of the encoded protein sequence. Three of five in-silico tools predict a damaging effect of the variant on protein function. The variant allele was found at a frequency of 0.00035 in 248020 control chromosomes, predominantly at a frequency of 0.00085 within the South Asian subpopulation in the gnomAD database. The observed variant frequency within South Asian control individuals in the gnomAD database is approximately 1.4 fold of the estimated maximal expected allele frequency for a pathogenic variant in TTN causing Cardiomyopathy phenotype (0.00063), strongly suggesting that the variant is a benign polymorphism found primarily in populations of South Asian origin. c.34625T>C has been reported in the literature in individuals affected with Cardiomyopathy (Pugh_2014, Westra_2019). These reports do not provide unequivocal conclusions about association of the variant with Cardiomyopathy. In addition, in one of these reports a co-occurrence with potentially pathogenic TTN variant has been reported (i.e. deletion of exons 273-307 in Westra_2019), providing supporting evidence for a benign role. To our knowledge, no experimental evidence demonstrating an impact on protein function has been reported. Six ClinVar submitters (evaluation after 2014) cite the variant as VUS (3x), likely benign (2x) and benign (1x). Based on the evidence outlined above, the variant was classified as benign.

Centre for Mendelian Genomics, University Medical Centre Ljubljana
Classification: Likely benign for Tibial muscular dystrophy. Last evaluated: 2019-03-26. Review status: criteria provided, single submitter. Criteria: ACMG Guidelines, 2015. Collection method: clinical testing. Allele origin: unknown. Affected: yes.
Comment: This variant was classified as: Likely benign.

Illumina Laboratory Services, Illumina
Classification: Uncertain significance for Early-onset myopathy with fatal cardiomyopathy. Last evaluated: 2018-01-13. Review status: criteria provided, single submitter. Criteria: ICSL Variant Classification Criteria 13 December 2019. Collection method: clinical testing. Allele origin: germline.

Illumina Laboratory Services, Illumina
Classification: Uncertain significance for Dilated cardiomyopathy 1G. Last evaluated: 2018-01-13. Review status: criteria provided, single submitter. Criteria: ICSL Variant Classification Criteria 13 December 2019. Collection method: clinical testing. Allele origin: germline.

Illumina Laboratory Services, Illumina
Classification: Benign for Myopathy, myofibrillar, 9, with early respiratory failure. Last evaluated: 2018-01-13. Review status: criteria provided, single submitter. Criteria: ICSL Variant Classification Criteria 13 December 2019. Collection method: clinical testing. Allele origin: germline.
Comment: This variant was observed in the ICSL laboratory as part of a predisposition screen in an ostensibly healthy population. It had not been previously curated by ICSL or reported in the Human Gene Mutation Database (HGMD: prior to June 1st, 2018), and was therefore a candidate for classification through an automated scoring system. Utilizing variant allele frequency, disease prevalence and penetrance estimates, and inheritance mode, an automated score was calculated to assess if this variant is too frequent to cause the disease. Based on the score and internal cut-off values, a variant classified as benign is not then subjected to further curation. The score for this variant resulted in a classification of benign for this disease.

Illumina Laboratory Services, Illumina
Classification: Uncertain significance for Autosomal recessive limb-girdle muscular dystrophy type 2J. Last evaluated: 2018-01-13. Review status: criteria provided, single submitter. Criteria: ICSL Variant Classification Criteria 13 December 2019. Collection method: clinical testing. Allele origin: germline.

Illumina Laboratory Services, Illumina
Classification: Benign for Tibial muscular dystrophy. Last evaluated: 2018-01-13. Review status: criteria provided, single submitter. Criteria: ICSL Variant Classification Criteria 13 December 2019. Collection method: clinical testing. Allele origin: germline.
Comment: the same text as in the submission from Illumina Laboratory Services, Illumina above.

Eurofins Ntd Llc (ga)
Classification: Uncertain significance. Last evaluated: 2017-10-02. Review status: criteria provided, single submitter. Criteria: EGL Classification Definitions 2015. Collection method: clinical testing. Allele origin: germline. Observed: 7 variant alleles, 7 heterozygotes.

GeneDx
Classification: Benign. Last evaluated: 2017-08-24. Review status: criteria provided, single submitter. Criteria: GeneDx Variant Classification (06012015). Collection method: clinical testing. Allele origin: germline. Affected: yes.
Comment: This variant is considered likely benign or benign based on one or more of the following criteria: it is a conservative change, it occurs at a poorly conserved position in the protein, it is predicted to be benign by multiple in silico algorithms, and/or has population frequency not consistent with disease.

NM_001267550.2(TTN):c.42329T>C (p.Val14110Ala)

Gene: TTN (titin; minus strand). Cytogenetic location: 2q31.2.
Variant type: single nucleotide variant.
Coding change: c.42329T>C on transcript NM_001267550.2 (MANE Select); coding-DNA position 42329, T replaced by C.
Protein change: p.Val14110Ala; replaces valine 14110 with alanine.
Molecular consequence: missense variant.
Genome position (GRCh38, 1-based): chr2:178,634,452, A>G on the plus strand (T>C on the coding strand, the complement: TTN is on the minus strand). VCF-style: chr2-178634452-A-G. GRCh37 (hg19) VCF-style: chr2-179499179-A-G.
Other names: c.37406T>C, p.Val12469Ala (NM_001256850.1); c.15134T>C, p.Val5045Ala (NM_003319.4); c.34625T>C, p.Val11542Ala (NM_133378.4); c.15509T>C, p.Val5170Ala (NM_133432.3); c.15710T>C, p.Val5237Ala (NM_133437.4); short protein forms V14110A, V11542A, V12469A, V5045A, V5170A, V5237A.
Identifiers: ClinVar variation 46955 (VCV000046955.61), dbSNP rs34706299, ClinGen allele CA139618.